The following is an entry in ClinVar:

NC_000009.12:g.35658030T>C

Gene: RMRP (RNA component of mitochondrial RNA processing endoribonuclease; minus strand). Cytogenetic location: 9p13.3.
Variant type: single nucleotide variant.
Genome position: GRCh38 VCF-style: chr9-35658030-T-C. GRCh37 (hg19) VCF-style: chr9-35658027-T-C.
Identifiers: ClinVar variation 856682 (VCV000856682.4), dbSNP rs372044910, ClinGen allele CA587570229.

ClinVar aggregate classification (germline): Uncertain significance. Review status: criteria provided, single submitter (1 of 4 stars). 2 submissions from 2 submitters: Uncertain significance (1). 1 of the submissions does not count toward it. Last evaluated 2025-09-30.

Conditions:
Metaphyseal chondrodysplasia, McKusick type (CHH). Also called: Cartilage-hair hypoplasia; Cartilage-Hair Hypoplasia (CHH). Identifiers: Orphanet 175, MedGen C0220748, MONDO:0009595, OMIM 250250.
Anauxetic dysplasia. Identifiers: Orphanet 93347, MedGen C1846796, MONDO:0011773.

Allele frequency attached by ClinVar (database versions not stated): TOPMed 0.00002.

Submissions (2):

Labcorp Genetics (formerly Invitae), Labcorp
Classification: Uncertain significance for Anauxetic dysplasia. Last evaluated: 2025-09-30. Review status: criteria provided, single submitter. Criteria: Invitae Variant Classification Sherloc (09022015). Collection method: clinical testing. Allele origin: germline.
Comment: This variant occurs in the RMRP gene, which encodes an RNA molecule that does not result in a protein product. This variant is present in population databases (no rsID available, gnomAD 0.007%). This variant has not been reported in the literature in individuals affected with RMRP-related conditions. ClinVar contains an entry for this variant (Variation ID: 856682). Experimental studies and prediction algorithms are not available or were not evaluated, and the functional significance of this variant is currently unknown. In summary, the available evidence is currently insufficient to determine the role of this variant in disease. Therefore, it has been classified as a Variant of Uncertain Significance.

Natera, Inc.
Classification: Uncertain significance for Cartilage-hair hypoplasia. Last evaluated: 2020-10-30. Review status: no assertion criteria provided. Collection method: clinical testing. Allele origin: germline. Not counted in ClinVar's aggregate classification.